The following is an entry in ClinVar:

NM_001379286.1(ZNF423):c.2475C>T (p.His825=)

Gene: ZNF423 (zinc finger protein 423; minus strand). Cytogenetic location: 16q12.1.
Variant type: single nucleotide variant.
Coding change: c.2475C>T on transcript NM_001379286.1 (MANE Select); coding-DNA position 2475, C replaced by T.
Protein change: p.His825=; no amino-acid change (histidine 825 retained).
Molecular consequence: synonymous variant.
Genome position (GRCh38, 1-based): chr16:49,636,701, G>A on the plus strand (C>T on the coding strand, the complement: ZNF423 is on the minus strand). VCF-style: chr16-49636701-G-A. GRCh37 (hg19) VCF-style: chr16-49670612-G-A.
Other names: c.2271C>T, p.His757= (NM_001271620.2); c.2100C>T, p.His700= (NM_001330533.2); c.2451C>T, p.His817= (NM_015069.5); c.2451C>T (NM_015069.4).
Identifiers: ClinVar variation 1079914 (VCV001079914.12), dbSNP rs201076539, ClinGen allele CA8046501.

ClinVar aggregate classification (germline): Likely benign. Review status: criteria provided, multiple submitters, no conflicts (2 of 4 stars). 3 submissions from 3 submitters: Likely benign (2). 1 of the submissions does not count toward it. Last evaluated 2025-01-06.

Conditions:
ZNF423-related disorder. Also called: ZNF423-related condition.
Nephronophthisis 14 (NPHP14). Identifiers: Orphanet 2318, MedGen C3539071, MONDO:0013916, OMIM 614844.

Allele frequency attached by ClinVar (database versions not stated): gnomAD 0.00005 and 0.00006; gnomAD exomes 0.00005 and 0.00016; ExAC 0.00011; 1000 Genomes Project 30x 0.00016; TOPMed 0.00017; 1000 Genomes Project 0.00020.
gnomAD v4.1: 79 of 1,614,092 alleles (0.0049%); highest among the groups gnomAD compares: East Asian, 0.08%; no homozygotes.

Submissions (3):

Labcorp Genetics (formerly Invitae), Labcorp
Classification: Likely benign for Nephronophthisis 14. Last evaluated: 2025-01-06. Review status: criteria provided, single submitter. Criteria: Invitae Variant Classification Sherloc (09022015). Collection method: clinical testing. Allele origin: germline.

Blueprint Genetics
Classification: Likely benign. Last evaluated: 2023-08-08. Review status: criteria provided, single submitter. Criteria: ACMG Guidelines, 2015. Collection method: clinical testing. Allele origin: germline.

PreventionGenetics, part of Exact Sciences
Classification: Likely benign for ZNF423-related condition. Last evaluated: 2019-04-29. Review status: no assertion criteria provided. Collection method: clinical testing. Allele origin: germline. Not counted in ClinVar's aggregate classification.
Comment: This variant is classified as likely benign based on ACMG/AMP sequence variant interpretation guidelines (Richards et al. 2015 PMID: 25741868, with internal and published modifications).